The following is an entry in ClinVar:

ClinVar aggregate classification (germline): Uncertain significance (1 of 4 stars; one submission).

Conditions:
Capillary malformation-arteriovenous malformation syndrome. Also called: Capillary malformation-arteriovenous malformation. Identifiers: Orphanet 137667, MedGen C1842180, MONDO:0012016.

Submission:

Labcorp Genetics (formerly Invitae), Labcorp
Classification: Uncertain significance for Capillary malformation-arteriovenous malformation syndrome. Last evaluated: 2024-02-26. Review status: criteria provided, single submitter. Criteria: Invitae Variant Classification Sherloc (09022015). Collection method: clinical testing. Allele origin: germline.
Comment: This sequence change replaces serine, which is neutral and polar, with threonine, which is neutral and polar, at codon 962 of the RASA1 protein (p.Ser962Thr). This variant is not present in population databases (gnomAD no frequency). This variant has not been reported in the literature in individuals affected with RASA1-related conditions. An algorithm developed to predict the effect of missense changes on protein structure and function (PolyPhen-2) suggests that this variant is likely to be tolerated. In summary, the available evidence is currently insufficient to determine the role of this variant in disease. Therefore, it has been classified as a Variant of Uncertain Significance.

NM_002890.3(RASA1):c.2885G>C (p.Ser962Thr)

Genes: CCNH (cyclin H; minus strand), RASA1 (RAS p21 protein activator 1; plus strand). Cytogenetic location: 5q14.3.
Variant type: single nucleotide variant.
Coding change: c.2885G>C on transcript NM_002890.3 (MANE Select); coding-DNA position 2885, G replaced by C.
Protein change: p.Ser962Thr; replaces serine 962 with threonine.
Molecular consequence: missense variant. On other transcripts: intron variant (1).
Genome position (GRCh38, 1-based): chr5:87,386,863, G>C. VCF-style: chr5-87386863-G-C. GRCh37 (hg19) VCF-style: chr5-86682680-G-C.
Other names: c.2354G>C, p.Ser785Thr (NM_022650.3); c.933+8181C>G (NM_001364075.2); short protein forms S785T, S962T.
Identifiers: ClinVar variation 3643376 (VCV003643376.2).